The following is an entry in ClinVar:

NM_024675.4(PALB2):c.1659C>G (p.His553Gln)

Gene: PALB2 (partner and localizer of BRCA2; minus strand). Cytogenetic location: 16p12.2.
Variant type: single nucleotide variant.
Coding change: c.1659C>G on transcript NM_024675.4 (MANE Select); coding-DNA position 1659, C replaced by G.
Protein change: p.His553Gln; replaces histidine 553 with glutamine.
Molecular consequence: missense variant.
Genome position (GRCh38, 1-based): chr16:23,634,887, G>C on the plus strand (C>G on the coding strand, the complement: PALB2 is on the minus strand). VCF-style: chr16-23634887-G-C. GRCh37 (hg19) VCF-style: chr16-23646208-G-C.
Other names: short protein forms H553Q.
Identifiers: ClinVar variation 187175 (VCV000187175.17), dbSNP rs370318597, ClinGen allele CA196924.

ClinVar aggregate classification (germline): Conflicting classifications of pathogenicity. Review status: criteria provided, conflicting classifications (1 of 4 stars). 5 submissions from 5 submitters: Uncertain significance (4); Likely benign (1). Last evaluated 2025-12-21.

Conditions:
Breast-ovarian cancer, familial, susceptibility to, 5 (BROVCA5). Identifiers: MedGen C5830615, MONDO:0957530, OMIM 620442.
Hereditary cancer-predisposing syndrome. Also called: Neoplastic Syndromes, Hereditary; Hereditary neoplastic syndrome; Tumor predisposition; Hereditary Cancer Syndrome. Identifiers: Orphanet 140162, MedGen C0027672, MeSH D009386, MONDO:0015356.
Familial cancer of breast. Also called: BREAST CANCER, FAMILIAL; Hereditary breast cancer; hereditary breast carcinoma. Identifiers: Orphanet 227535, MedGen C0346153, MONDO:0016419, OMIM 114480. Disease mechanism: loss of function.

Allele frequency attached by ClinVar (database versions not stated): gnomAD 0.00001; TOPMed 0.00001; ESP Exome Variant Server 0.00008.
gnomAD v4.1: 3 of 1,613,654 alleles (0.00019%); highest among the groups gnomAD compares: African/African-American, 0.0027%; no homozygotes.

Submissions (5):

Labcorp Genetics (formerly Invitae), Labcorp
Classification: Uncertain significance for Familial cancer of breast. Last evaluated: 2025-12-21. Review status: criteria provided, single submitter. Criteria: Invitae Variant Classification Sherloc (09022015). Collection method: clinical testing. Allele origin: germline.
Comment: This sequence change replaces histidine, which is basic and polar, with glutamine, which is neutral and polar, at codon 553 of the PALB2 protein (p.His553Gln). This variant is present in population databases (rs370318597, gnomAD 0.007%). This missense change has been observed in individual(s) with pancreatic cancer (PMID: 35171259). ClinVar contains an entry for this variant (Variation ID: 187175). Invitae Evidence Modeling of protein sequence and biophysical properties (such as structural, functional, and spatial information, amino acid conservation, physicochemical variation, residue mobility, and thermodynamic stability) indicates that this missense variant is not expected to disrupt PALB2 protein function with a negative predictive value of 80%. In summary, the available evidence is currently insufficient to determine the role of this variant in disease. Therefore, it has been classified as a Variant of Uncertain Significance.

Dasa
Classification: Uncertain significance for Breast-ovarian cancer, familial, susceptibility to, 5. Last evaluated: 2025-06-17. Review status: criteria provided, single submitter. Criteria: DASA Assertion Criteria. Collection method: clinical testing. Allele origin: germline.
Comment: NM_024675.4(PALB2):c.1659C>G (p.His553Gln) is a missense variant that results in the substitution of histidine with glutamine. This variant is rare in population databases. The currently available literature and clinical evidence are not sufficient to establish a definitive association between this variant and the reported condition. Therefore, this variant is classified as a variant of uncertain significance.

Ambry Genetics
Classification: Likely benign for Hereditary cancer-predisposing syndrome. Last evaluated: 2023-11-17. Review status: criteria provided, single submitter. Criteria: Ambry Variant Classification Scheme 2023. Collection method: clinical testing. Allele origin: germline.

Color Diagnostics, LLC DBA Color Health
Classification: Uncertain significance for Hereditary cancer-predisposing syndrome. Last evaluated: 2023-08-01. Review status: criteria provided, single submitter. Criteria: ACMG Guidelines, 2015. Collection method: clinical testing. Allele origin: germline.
Comment: This missense variant replaces histidine with glutamine at codon 553 of the PALB2 protein. Computational prediction suggests that this variant may not impact protein structure and function (internally defined REVEL score threshold <= 0.5, PMID: 27666373). To our knowledge, functional studies have not been reported for this variant. This variant has been reported in individuals affected with breast cancer (PMID: 23977390). This variant has been identified in 1/251096 chromosomes in the general population by the Genome Aggregation Database (gnomAD). The available evidence is insufficient to determine the role of this variant in disease conclusively. Therefore, this variant is classified as a Variant of Uncertain Significance.

Women's Health and Genetics/Laboratory Corporation of America, LabCorp
Classification: Uncertain significance. Last evaluated: 2020-06-29. Review status: criteria provided, single submitter. Criteria: LabCorp Variant Classification Summary - May 2015. Collection method: clinical testing. Allele origin: germline.
Comment: Variant summary: PALB2 c.1659C>G (p.His553Gln) results in a non-conservative amino acid change in the encoded protein sequence. Four of five in-silico tools predict a benign effect of the variant on protein function. The variant allele was found at a frequency of 3.9e-06 in 257958 control chromosomes (gnomAD and publication). The available data on variant occurrences in the general population are insufficient to allow any conclusion about variant significance. To our knowledge, no occurrence of c.1659C>G in individuals affected with Breast Cancer and no experimental evidence demonstrating its impact on protein function have been reported. Two ClinVar submitters (evaluation after 2014) cite the variant as uncertain significance. Based on the evidence outlined above, the variant was classified as uncertain significance.

Literature cited by the submitters: PubMed 35171259 (cited by Labcorp Genetics (formerly Invitae), Labcorp); PubMed 23977390 (cited by Ambry Genetics and Color Diagnostics, LLC DBA Color Health); PubMed 26315354 (cited by Women's Health and Genetics/Laboratory Corporation of America, LabCorp).